The following is an entry in ClinVar:

ClinVar aggregate classification (germline): Uncertain significance (1 of 4 stars; one submission).

Allele frequency attached by ClinVar (database versions not stated): gnomAD exomes below 0.00001 and 0.00001; ExAC 0.00001; gnomAD 0.00001.
gnomAD v4.1: 15 of 1,613,534 alleles (0.00093%); highest among the groups gnomAD compares: Middle Eastern, 0.016%; no homozygotes.

Submission:

Labcorp Genetics (formerly Invitae), Labcorp
Classification: Uncertain significance. Last evaluated: 2024-08-13. Review status: criteria provided, single submitter. Criteria: Invitae Variant Classification Sherloc (09022015). Collection method: clinical testing. Allele origin: germline.
Comment: This sequence change replaces glutamine, which is neutral and polar, with glutamic acid, which is acidic and polar, at codon 3905 of the PCLO protein (p.Gln3905Glu). This variant is present in population databases (rs771510093, gnomAD 0.0009%). This variant has not been reported in the literature in individuals affected with PCLO-related conditions. ClinVar contains an entry for this variant (Variation ID: 1484528). Experimental studies and prediction algorithms are not available or were not evaluated, and the functional significance of this variant is currently unknown. In summary, the available evidence is currently insufficient to determine the role of this variant in disease. Therefore, it has been classified as a Variant of Uncertain Significance.

NM_033026.6(PCLO):c.11713C>G (p.Gln3905Glu)

Gene: PCLO (piccolo presynaptic cytomatrix protein; minus strand). Cytogenetic location: 7q21.11.
Variant type: single nucleotide variant.
Coding change: c.11713C>G on transcript NM_033026.6 (MANE Select); coding-DNA position 11713, C replaced by G.
Protein change: p.Gln3905Glu; replaces glutamine 3905 with glutamic acid.
Molecular consequence: missense variant.
Genome position (GRCh38, 1-based): chr7:82,916,273, G>C on the plus strand (C>G on the coding strand, the complement: PCLO is on the minus strand). VCF-style: chr7-82916273-G-C. GRCh37 (hg19) VCF-style: chr7-82545589-G-C.
Other names: c.11713C>G, p.Gln3905Glu (NM_014510.3); short protein forms Q3905E.
Identifiers: ClinVar variation 1484528 (VCV001484528.5), dbSNP rs771510093, ClinGen allele CA4319516.
Genomic context (GRCh38, chr7:82,916,273, plus strand): 5'-GAGTCTGATAAGGTGAAACTTGCTGATGGTACAAAGTTTGTTGCTCAAAATGAGACTGTT[G>C]AGTGTATGAGGTGGGTGCTTGGGTAGGAAGAGCAGGGGAAGAGTACTGGTATTGTGTGTA-3'
Protein context (NP_149015.2, residues 3895-3915): LPTQAPTSYT[Gln3905Glu]QSHFEQQTLY